The following is an entry in ClinVar:

ClinVar aggregate classification (germline): Uncertain significance. Review status: criteria provided, multiple submitters, no conflicts (2 of 4 stars). 2 submissions from 2 submitters: Uncertain significance (2). Last evaluated 2024-06-09.

Conditions:
Malignant hyperthermia, susceptibility to, 1 (MHS1). Also called: Anesthesia related hyperthermia; Malignant hyperpyrexia; Fulminating hyperpyrexia; Pharmacogenic myopathy; RYR1-Related Malignant Hyperthermia Susceptibility; Malignant hyperthermia suceptibility 1. Identifiers: Orphanet 423, MedGen C2930980, MONDO:0007783, OMIM 145600.
RYR1-related disorder. Also called: RYR1-related disorders; RYR1-related condition. Identifiers: MedGen CN239331.

Submissions (2):

All of Us Research Program, National Institutes of Health
Classification: Uncertain significance for Malignant hyperthermia, susceptibility to, 1. Last evaluated: 2024-06-09. Review status: criteria provided, single submitter. Criteria: ACMG Guidelines, 2015. Collection method: clinical testing. Allele origin: germline. Inheritance: Autosomal dominant inheritance. Observed: 1 variant allele, 1 heterozygote.
Comment: This missense variant replaces lysine with glutamic acid at codon 549 of the RYR1 protein. Computational prediction is inconclusive regarding the impact of this variant on protein structure and function (internally defined REVEL score threshold 0.5 < inconclusive < 0.7, PMID: 27666373). To our knowledge, functional studies have not been reported for this variant. This variant has not been reported in individuals affected with RYR1-related disorders in the literature. This variant has not been identified in the general population by the Genome Aggregation Database (gnomAD). The available evidence is insufficient to determine the role of this variant in disease conclusively. Therefore, this variant is classified as a Variant of Uncertain Significance.

This study involves interpretation of variants in research participants for the purpose of population health screening. Participant phenotype was not available at the time of variant classification. Additional details can be found in publication PMID: 35346344, PMCID: PMC8962531

Labcorp Genetics (formerly Invitae), Labcorp
Classification: Uncertain significance for RYR1-related disorder. Last evaluated: 2024-02-05. Review status: criteria provided, single submitter. Criteria: Invitae Variant Classification Sherloc (09022015). Collection method: clinical testing. Allele origin: germline.
Comment: This sequence change replaces lysine, which is basic and polar, with glutamic acid, which is acidic and polar, at codon 549 of the RYR1 protein (p.Lys549Glu). This variant is not present in population databases (gnomAD no frequency). This variant has not been reported in the literature in individuals affected with RYR1-related conditions. Advanced modeling of protein sequence and biophysical properties (such as structural, functional, and spatial information, amino acid conservation, physicochemical variation, residue mobility, and thermodynamic stability) has been performed at Invitae for this missense variant, however the output from this modeling did not meet the statistical confidence thresholds required to predict the impact of this variant on RYR1 protein function. In summary, the available evidence is currently insufficient to determine the role of this variant in disease. Therefore, it has been classified as a Variant of Uncertain Significance.

NM_000540.3(RYR1):c.1645A>G (p.Lys549Glu)

Gene: RYR1 (ryanodine receptor 1; plus strand). Cytogenetic location: 19q13.2.
Variant type: single nucleotide variant.
Coding change: c.1645A>G on transcript NM_000540.3 (MANE Select); coding-DNA position 1645, A replaced by G.
Protein change: p.Lys549Glu; replaces lysine 549 with glutamic acid.
Molecular consequence: missense variant.
Genome position (GRCh38, 1-based): chr19:38,455,519, A>G. VCF-style: chr19-38455519-A-G. GRCh37 (hg19) VCF-style: chr19-38946159-A-G.
Other names: c.1645A>G, p.Lys549Glu (NM_001042723.2); short protein forms K549E.
Identifiers: ClinVar variation 3387652 (VCV003387652.3).